The following is an entry in ClinVar:

ClinVar aggregate classification (germline): Uncertain significance. Review status: reviewed by expert panel (3 of 4 stars). 2 submissions from 2 submitters: Uncertain significance (1). 1 of the submissions does not count toward it. Last evaluated 2026-10-05.

Conditions:
Alexander disease (ALXDRD). Also called: Alexander's disease. Identifiers: Orphanet 58, MedGen C0270726, MONDO:0008752, OMIM 203450.

Submissions (2):

ClinGen Leukodystrophy and Leukoencephalopathy Variant Curation Expert Panel, ClinGen
Classification: Uncertain significance for Alexander disease. Last evaluated: 2026-10-05. Review status: reviewed by expert panel. Criteria: ClinGen Leuko ACMG Specifications GFAP V1.0. Collection method: curation. Allele origin: germline. Inheritance: Autosomal dominant inheritance.
Comment: The NM_002055.5(GFAP):c.71dup (p.Leu25fs) variant in GFAP is a frameshift variant predicted to cause protein truncation or nonsense mediated decay in a gene in which loss-of-function is not an established disease mechanism. The GrpMax filtering allele frequency in gnomAD v4.1.1 is 0.00000125, which is lower than the ClinGen Leukodystrophy and Leukoencephalopathy VCEP thresholds for BA1 (>0.0001) and BS1 (>0.00001), and therefore remains a variant of uncertain significance. In summary, this variant meets the criteria to be classified as Uncertain significance for Alexander disease based on the ACMG/AMP criteria applied, as specified by the ClinGen Leukodystrophy and Leukoencephalopathy VCEP. (ClinGen Leukodystrophy and Leukoencephalopathy VCEP Specifications Version 1.0.0)

GeneDx
Classification: Uncertain significance. Last evaluated: 2025-07-23. Review status: criteria provided, single submitter. Criteria: GeneDx Variant Classification Process June 2021. Collection method: clinical testing. Allele origin: germline. Affected: yes. Not counted in ClinVar's aggregate classification.
Comment: Not observed at significant frequency in large population cohorts (gnomAD); Has not been previously published as pathogenic or benign to our knowledge; Frameshift variant predicted to result in protein truncation or nonsense mediated decay in a gene for which loss-of-function is not a known mechanism of disease

NM_002055.5(GFAP):c.71dup (p.Leu25fs)

Gene: GFAP (glial fibrillary acidic protein; minus strand). Cytogenetic location: 17q21.31.
Variant type: Duplication.
Coding change: c.71dup on transcript NM_002055.5 (MANE Select); coding-DNA position 71, one base duplicated (G; older notation c.71dupG).
Protein change: p.Leu25fs; shifts the reading frame from leucine 25.
Molecular consequence: frameshift variant.
Genome position (GRCh38, 1-based): chr17:44,915,416, C duplicated on the plus strand (G on the coding strand, the reverse complement: GFAP is on the minus strand); the first of 6 consecutive C bases (chr17:44,915,416-44,915,421); duplicating any one gives the same sequence. VCF-style (leftmost placement, unchanged base first): chr17-44915415-G-GC. GRCh37 (hg19) VCF-style: chr17-42992783-G-GC.
Other names: NM_002055.5(GFAP):c.71dup; p.Leu25fs; c.71dup, p.Leu25fs (NM_001131019.3, NM_001242376.3, NM_001363846.2); short protein forms L25fs.
Identifiers: ClinVar variation 4686920 (VCV004686920.2).
Genomic context (GRCh38, chr17:44,915,415, plus strand): 5'-AGGGGGCATTCGAGCCAGGGAGAGGCGGGTGCCAGGACCCAGACGGCGGCCAGGAGCCAG[G>GC]CCCCCCACCATCATCTCCCCTGAGGAGACGTAGGAGCGGCGAGCAGCGGAGGTGATGCGT-3'